The following is an entry in ClinVar:

NM_004958.4(MTOR):c.3745C>T (p.Pro1249Ser)

Gene: MTOR (mechanistic target of rapamycin kinase; minus strand). Cytogenetic location: 1p36.22.
Variant type: single nucleotide variant.
Coding change: c.3745C>T on transcript NM_004958.4 (MANE Select); coding-DNA position 3745, C replaced by T.
Protein change: p.Pro1249Ser; replaces proline 1249 with serine.
Molecular consequence: missense variant.
Genome position (GRCh38, 1-based): chr1:11,209,368, G>A on the plus strand (C>T on the coding strand, the complement: MTOR is on the minus strand). VCF-style: chr1-11209368-G-A. GRCh37 (hg19) VCF-style: chr1-11269425-G-A.
Other names: c.3745C>T (LRG_734t1); short protein forms P1249S.
Identifiers: ClinVar variation 660191 (VCV000660191.11), dbSNP rs576733926, ClinGen allele CA590135.
Genomic context (GRCh38, chr1:11,209,368, plus strand): 5'-TTGCCTTTTGGAGGTTGATGGTGCTGACGTGCAGTTTCTTCATGGGTCCTGTTTCCACTG[G>A]TCCACTAGCCAATGCATCCCCTTGGCCACTCCTAAGCATCCGATGCTGGTAAATCAAAGG-3'
Protein context (NP_004949.1, residues 1239-1259): SGQGDALASG[Pro1249Ser]VETGPMKKLH

ClinVar aggregate classification (germline): Uncertain significance (1 of 4 stars; one submission).

Allele frequency attached by ClinVar (database versions not stated): gnomAD exomes below 0.00001; ExAC 0.00001; gnomAD 0.00001; 1000 Genomes Project 0.00020; 1000 Genomes Project 30x 0.00031.
gnomAD v4.1: 2 of 1,614,148 alleles (0.00012%); highest among the groups gnomAD compares: Admixed American, 0.0017%; no homozygotes.

Submission:

Labcorp Genetics (formerly Invitae), Labcorp
Classification: Uncertain significance. Last evaluated: 2022-02-05. Review status: criteria provided, single submitter. Criteria: Invitae Variant Classification Sherloc (09022015). Collection method: clinical testing. Allele origin: germline.
Comment: In summary, the available evidence is currently insufficient to determine the role of this variant in disease. Therefore, it has been classified as a Variant of Uncertain Significance. Advanced modeling of protein sequence and biophysical properties (such as structural, functional, and spatial information, amino acid conservation, physicochemical variation, residue mobility, and thermodynamic stability) performed at Invitae indicates that this missense variant is not expected to disrupt MTOR protein function. ClinVar contains an entry for this variant (Variation ID: 660191). This variant has not been reported in the literature in individuals affected with MTOR-related conditions. This variant is present in population databases (rs576733926, gnomAD 0.007%). This sequence change replaces proline, which is neutral and non-polar, with serine, which is neutral and polar, at codon 1249 of the MTOR protein (p.Pro1249Ser).